The following is an entry in ClinVar:

ClinVar aggregate classification (germline): Uncertain significance (1 of 4 stars; one submission).

Allele frequency attached by ClinVar (database versions not stated): gnomAD exomes below 0.00001.
gnomAD v4.1: 1 of 1,596,164 alleles (0.000063%); highest among the groups gnomAD compares: Non-Finnish European, 0.000085%; no homozygotes.

Submission:

Ambry Genetics
Classification: Uncertain significance. Last evaluated: 2022-06-08. Review status: criteria provided, single submitter. Criteria: Ambry Variant Classification Scheme 2023. Collection method: clinical testing. Allele origin: germline.
Comment: The p.K679E variant (also known as c.2035A>G), located in coding exon 18 of the PRKDC gene, results from an A to G substitution at nucleotide position 2035. The lysine at codon 679 is replaced by glutamic acid, an amino acid with similar properties. This amino acid position is conserved. In addition, this alteration is predicted to be tolerated by in silico analysis. Since supporting evidence is limited at this time, the clinical significance of this alteration remains unclear.

NM_006904.7(PRKDC):c.2035A>G (p.Lys679Glu)

Gene: PRKDC (protein kinase, DNA-activated, catalytic subunit; minus strand). Cytogenetic location: 8q11.21.
Variant type: single nucleotide variant.
Coding change: c.2035A>G on transcript NM_006904.7 (MANE Select); coding-DNA position 2035, A replaced by G.
Protein change: p.Lys679Glu; replaces lysine 679 with glutamic acid.
Molecular consequence: missense variant.
Genome position (GRCh38, 1-based): chr8:47,929,870, T>C on the plus strand (A>G on the coding strand, the complement: PRKDC is on the minus strand). VCF-style: chr8-47929870-T-C. GRCh37 (hg19) VCF-style: chr8-48842430-T-C.
Other names: c.2035A>G, p.Lys679Glu (NM_001081640.2); short protein forms K679E.
Identifiers: ClinVar variation 1784805 (VCV001784805.2), dbSNP rs1327112090, ClinGen allele CA371164108.
Genomic context (GRCh38, chr8:47,929,870, plus strand): 5'-CCTAAAAAAACGCAAGATTCAACATCCTGCAAGAAAGACTCACCTCGAAATATTTTATTT[T>C]CTTGGCATTTCTTACTGTAATAGAAAGCAATTTGTAGAAACCACTGATGAGGGGCAACCT-3'
Protein context (NP_008835.5, residues 669-689): LLSITVRNAK[Lys679Glu]IKYFEGVSPK